The following is an entry in ClinVar:

ClinVar aggregate classification (germline): Uncertain significance. Review status: criteria provided, multiple submitters, no conflicts (2 of 4 stars). 2 submissions from 2 submitters: Uncertain significance (2). Last evaluated 2024-01-02.

Conditions:
SI-related disorder. Also called: SI-related condition.
Sucrase-isomaltase deficiency (CSID). Also called: Congenital sucrose isomaltose malabsorption; Sucrose isomaltose enzyme deficiency; Deficiency of isomaltase; SI DEFICIENCY. Identifiers: Orphanet 35122, MedGen C1283620, MONDO:0009114, OMIM 222900.

Allele frequency attached by ClinVar (database versions not stated): gnomAD 0.00001; TOPMed 0.00001; gnomAD exomes 0.00004.
gnomAD v4.1: 59 of 1,612,060 alleles (0.0037%); highest among the groups gnomAD compares: Non-Finnish European, 0.0049%; no homozygotes.

Submissions (2):

Fulgent Genetics
Classification: Uncertain significance for Sucrase-isomaltase deficiency. Last evaluated: 2024-01-02. Review status: criteria provided, single submitter. Criteria: ACMG Guidelines, 2015. Collection method: clinical testing. Allele origin: germline.

PreventionGenetics, part of Exact Sciences
Classification: Uncertain significance for SI-related condition. Last evaluated: 2022-09-06. Review status: criteria provided, single submitter. Criteria: ACMG Guidelines, 2015. Collection method: clinical testing. Allele origin: germline.
Comment: The SI c.1669G>A variant is predicted to result in the amino acid substitution p.Asp557Asn. To our knowledge, this variant has not been reported in the literature. This variant is reported in 0.0039% of alleles in individuals of European (Non-Finnish) descent in gnomAD. At this time, the clinical significance of this variant is uncertain due to the absence of conclusive functional and genetic evidence.

NM_001041.4(SI):c.1669G>A (p.Asp557Asn)

Gene: SI (sucrase-isomaltase; minus strand). Cytogenetic location: 3q26.1.
Variant type: single nucleotide variant.
Coding change: c.1669G>A on transcript NM_001041.4 (MANE Select); coding-DNA position 1669, G replaced by A.
Protein change: p.Asp557Asn; replaces aspartic acid 557 with asparagine.
Molecular consequence: missense variant.
Genome position (GRCh38, 1-based): chr3:165,049,173, C>T on the plus strand (G>A on the coding strand, the complement: SI is on the minus strand). VCF-style: chr3-165049173-C-T. GRCh37 (hg19) VCF-style: chr3-164766961-C-T.
Other names: short protein forms D557N.
Identifiers: ClinVar variation 2629414 (VCV002629414.2), dbSNP rs1185540606, ClinGen allele CA355052945.